The following is an entry in ClinVar:

ClinVar aggregate classification (germline): Conflicting classifications of pathogenicity. Review status: criteria provided, conflicting classifications (1 of 4 stars). 3 submissions from 3 submitters: Uncertain significance (2); Benign (1). Last evaluated 2025-11-24.

Conditions:
Renal cell carcinoma. Identifiers: Orphanet 217071, MedGen C0007134, MeSH D002292, MONDO:0005086, HP:0005584.
Autosomal recessive nonsyndromic hearing loss 97. Also called: Deafness, autosomal recessive 97. Identifiers: Orphanet 90636, MedGen C4084709, MONDO:0014739, OMIM 616705.
Hereditary cancer-predisposing syndrome. Also called: Hereditary Cancer Syndrome; Hereditary neoplastic syndrome; Neoplastic Syndromes, Hereditary; Tumor predisposition. Identifiers: Orphanet 140162, MedGen C0027672, MeSH D009386, MONDO:0015356.

Allele frequency attached by ClinVar (database versions not stated): gnomAD 0.00002 and 0.00003; TOPMed 0.00002.
gnomAD v4.1: 32 of 1,613,776 alleles (0.002%); highest among the groups gnomAD compares: East Asian, 0.025%; no homozygotes.

Submissions (3):

Labcorp Genetics (formerly Invitae), Labcorp
Classification: Uncertain significance for Renal cell carcinoma. Last evaluated: 2025-11-24. Review status: criteria provided, single submitter. Criteria: Invitae Variant Classification Sherloc (09022015). Collection method: clinical testing. Allele origin: germline.
Comment: This sequence change replaces alanine, which is neutral and non-polar, with threonine, which is neutral and polar, at codon 5 of the MET protein (p.Ala5Thr). This variant is present in population databases (rs765444467, gnomAD 0.03%). This variant has not been reported in the literature in individuals affected with MET-related conditions. ClinVar contains an entry for this variant (Variation ID: 454185). An algorithm developed to predict the effect of missense changes on protein structure and function outputs the following: PolyPhen-2: "Benign". The threonine amino acid residue is found in multiple mammalian species, which suggests that this missense change does not adversely affect protein function. In summary, the available evidence is currently insufficient to determine the role of this variant in disease. Therefore, it has been classified as a Variant of Uncertain Significance.

Ambry Genetics
Classification: Benign for Hereditary cancer-predisposing syndrome. Last evaluated: 2024-03-11. Review status: criteria provided, single submitter. Criteria: Ambry Variant Classification Scheme 2023. Collection method: clinical testing. Allele origin: germline.

Baylor Genetics
Classification: Uncertain significance for Autosomal recessive nonsyndromic hearing loss 97. Last evaluated: 2023-05-28. Review status: criteria provided, single submitter. Criteria: ACMG Guidelines, 2015. Collection method: clinical testing. Allele origin: unknown.

Literature cited by the submitters: PubMed 29684080 (cited by Ambry Genetics).

NM_000245.4(MET):c.13G>A (p.Ala5Thr)

Gene: MET (MET proto-oncogene, receptor tyrosine kinase; plus strand). Cytogenetic location: 7q31.2.
Variant type: single nucleotide variant.
Coding change: c.13G>A on transcript NM_000245.4 (MANE Select); coding-DNA position 13, G replaced by A.
Protein change: p.Ala5Thr; replaces alanine 5 with threonine.
Molecular consequence: missense variant. On other transcripts: intron variant (1).
Genome position (GRCh38, 1-based): chr7:116,699,097, G>A. VCF-style: chr7-116699097-G-A. GRCh37 (hg19) VCF-style: chr7-116339151-G-A.
Other names: c.13G>A, p.Ala5Thr (NM_001127500.3, NM_001324401.3); c.-91+26520G>A (NM_001324402.2); short protein forms A5T.
Identifiers: ClinVar variation 454185 (VCV000454185.15), dbSNP rs765444467, ClinGen allele CA4447929.
Genomic context (GRCh38, chr7:116,699,097, plus strand): 5'-CTGAACTGCTCTCGCCTTGAACCTGTTTTGGCAGATAAACCTCTCATAATGAAGGCCCCC[G>A]CTGTGCTTGCACCTGGCATCCTCGTGCTCCTGTTTACCTTGGTGCAGAGGAGCAATGGGG-3'
Protein context (NP_000236.2, residues 1-15): MKAP[Ala5Thr]VLAPGILVLL